The following is an entry in ClinVar:

ClinVar aggregate classification (germline): Uncertain significance (1 of 4 stars; one submission).

Conditions:
Inborn genetic diseases. Identifiers: MedGen C0950123, MeSH D030342.

Allele frequency attached by ClinVar (database versions not stated): gnomAD exomes 0.00001.
gnomAD v4.1: 18 of 1,613,468 alleles (0.0011%); highest among the groups gnomAD compares: Non-Finnish European, 0.0015%; no homozygotes.

Submission:

Ambry Genetics
Classification: Uncertain significance for Inborn genetic diseases. Last evaluated: 2021-09-26. Review status: criteria provided, single submitter. Criteria: Ambry Variant Classification Scheme 2023. Collection method: clinical testing. Allele origin: germline.
Comment: The p.L323P variant (also known as c.968T>C), located in coding exon 8 of the ACD gene, results from a T to C substitution at nucleotide position 968. The leucine at codon 323 is replaced by proline, an amino acid with similar properties. This amino acid position is conserved. In addition, the in silico prediction for this alteration is inconclusive. Since supporting evidence is limited at this time, the clinical significance of this alteration remains unclear.

NM_001082486.2(ACD):c.710T>C (p.Leu237Pro)

Gene: ACD (ACD shelterin complex subunit and telomerase recruitment factor; minus strand). Cytogenetic location: 16q22.1.
Variant type: single nucleotide variant.
Coding change: c.710T>C on transcript NM_001082486.2 (MANE Select); coding-DNA position 710, T replaced by C.
Protein change: p.Leu237Pro; replaces leucine 237 with proline.
Molecular consequence: missense variant.
Genome position (GRCh38, 1-based): chr16:67,658,752, A>G on the plus strand (T>C on the coding strand, the complement: ACD is on the minus strand). VCF-style: chr16-67658752-A-G. GRCh37 (hg19) VCF-style: chr16-67692655-A-G.
Other names: c.710T>C, p.Leu237Pro (NM_001410884.1); c.701T>C, p.Leu234Pro (NM_022914.3); short protein forms L237P, L234P.
Identifiers: ClinVar variation 1767801 (VCV001767801.2), dbSNP rs1399968681, ClinGen allele CA396353515.